The following is an entry in ClinVar:

ClinVar aggregate classification (germline): Uncertain significance (1 of 4 stars; one submission).

Conditions:
Idiopathic generalized epilepsy. Also called: EIG; Generalised epilepsy. Identifiers: MedGen C0270850, MONDO:0005579, OMIM 600669.
Hyperaldosteronism, familial, type IV (HALD4). Also called: FH IV; ALDOSTERONISM, PRIMARY, AND HYPERTENSION. Identifiers: Orphanet 642671, MedGen C4310756, MONDO:0014875, OMIM 617027.

Submission:

Labcorp Genetics (formerly Invitae), Labcorp
Classification: Uncertain significance for Idiopathic generalized epilepsy; Hyperaldosteronism, familial, type IV. Last evaluated: 2024-02-05. Review status: criteria provided, single submitter. Criteria: Invitae Variant Classification Sherloc (09022015). Collection method: clinical testing. Allele origin: germline.
Comment: This sequence change replaces arginine, which is basic and polar, with proline, which is neutral and non-polar, at codon 2257 of the CACNA1H protein (p.Arg2257Pro). This variant is not present in population databases (gnomAD no frequency). This variant has not been reported in the literature in individuals affected with CACNA1H-related conditions. ClinVar contains an entry for this variant (Variation ID: 2133705). Advanced modeling of protein sequence and biophysical properties (such as structural, functional, and spatial information, amino acid conservation, physicochemical variation, residue mobility, and thermodynamic stability) performed at Invitae indicates that this missense variant is not expected to disrupt CACNA1H protein function with a negative predictive value of 95%. In summary, the available evidence is currently insufficient to determine the role of this variant in disease. Therefore, it has been classified as a Variant of Uncertain Significance.

NM_021098.3(CACNA1H):c.6770G>C (p.Arg2257Pro)

Gene: CACNA1H (calcium voltage-gated channel subunit alpha1 H; plus strand). Cytogenetic location: 16p13.3.
Variant type: single nucleotide variant.
Coding change: c.6770G>C on transcript NM_021098.3 (MANE Select); coding-DNA position 6770, G replaced by C.
Protein change: p.Arg2257Pro; replaces arginine 2257 with proline.
Molecular consequence: missense variant.
Genome position (GRCh38, 1-based): chr16:1,220,702, G>C. VCF-style: chr16-1220702-G-C. GRCh37 (hg19) VCF-style: chr16-1270702-G-C.
Other names: c.6752G>C, p.Arg2251Pro (NM_001005407.2); short protein forms R2251P, R2257P.
Identifiers: ClinVar variation 2133705 (VCV002133705.4), dbSNP rs775972605, ClinGen allele CA394150580.
Genomic context (GRCh38, chr16:1,220,702, plus strand): 5'-GCTCAGGCGCCGGGGGGGACCCTGCAGCCAAGGGGGAGCGCTGGGGCCAGGCCTCCTGCC[G>C]GGCTGAGCACCTGACCGTCCCCAGCTTTGCCTTTGAGCCGCTGGACCTCGGGGTCCCCAG-3'
Protein context (NP_066921.2, residues 2247-2267): KGERWGQASC[Arg2257Pro]AEHLTVPSFA